The following is an entry in ClinVar:

ClinVar aggregate classification (germline): not provided (0 of 4 stars; one submission).

gnomAD v4.1: 2 of 1,613,818 alleles (0.00012%); highest among the groups gnomAD compares: African/African-American, 0.0027%; no homozygotes.

Submission:

ITMI
No classification provided. Condition: AllHighlyPenetrant. Last evaluated: 2013-09-19. Review status: no classification provided. Collection method: reference population. Allele origin: germline.
Comment: Please see associated publication for description of ethnicities

Literature cited by the submitters: PubMed 24728327.

NM_170606.3(KMT2C):c.13967C>A (p.Ala4656Glu)

Gene: KMT2C (lysine methyltransferase 2C; minus strand). Cytogenetic location: 7q36.1.
Variant type: single nucleotide variant.
Coding change: c.13967C>A on transcript NM_170606.3 (MANE Select); coding-DNA position 13967, C replaced by A.
Protein change: p.Ala4656Glu; replaces alanine 4656 with glutamic acid.
Molecular consequence: missense variant.
Genome position (GRCh38, 1-based): chr7:152,146,663, G>T on the plus strand (C>A on the coding strand, the complement: KMT2C is on the minus strand). VCF-style: chr7-152146663-G-T. GRCh37 (hg19) VCF-style: chr7-151843748-G-T.
Other names: short protein forms A4656E.
Identifiers: ClinVar variation 134816 (VCV000134816.1), dbSNP rs587778512, ClinGen allele CA160801.